The following is an entry in ClinVar:

NM_003055.3(SLC18A3):c.146_149dup (p.Met51fs)

Genes: CHAT (choline O-acetyltransferase; plus strand), SLC18A3 (solute carrier family 18 member A3; plus strand). Cytogenetic location: 10q11.23.
Variant type: Duplication.
Coding change: c.146_149dup on transcript NM_003055.3 (MANE Select); coding-DNA positions 146 to 149, 4 bases duplicated (TGTA; older notation c.146_149dupTGTA).
Protein change: p.Met51fs; shifts the reading frame from methionine 51.
Molecular consequence: frameshift variant. On other transcripts: intron variant (1).
Genome position (GRCh38, 1-based): chr10:49,610,886-49,610,889, TGTA duplicated. VCF-style (leftmost placement, unchanged base first): chr10-49610885-C-CTGTA. GRCh37 (hg19) VCF-style: chr10-50818931-C-CTGTA.
Other names: c.146_149dupTGTA (NM_003055.3); c.-69+1687_-69+1690dup (NM_020984.4); short protein forms M51fs.
Identifiers: ClinVar variation 4850640 (VCV004850640.1).

ClinVar aggregate classification (germline): Likely pathogenic (1 of 4 stars; one submission).

Conditions:
Congenital myasthenic syndrome 21. Also called: Myasthenic syndrome, congenital, 21, presynaptic. Identifiers: MedGen C4310654, MONDO:0014983, OMIM 617239.

Submission:

First Genomix Gene Laboratory, Genetic Diagnostics Department
Classification: Likely pathogenic for Congenital myasthenic syndrome 21. Last evaluated: 2025-08-04. Review status: criteria provided, single submitter. Criteria: ACMG Guidelines, 2015. Collection method: clinical testing. Allele origin: germline. Inheritance: Autosomal recessive inheritance. Affected: no. Observed: 1 variant allele.